The following is an entry in ClinVar:

ClinVar aggregate classification (germline): Uncertain significance (1 of 4 stars; one submission).

Conditions:
Ehlers-Danlos syndrome, type 4 (EDSVASC). Also called: Ehlers-Danlos syndrome vascular type; Ehlers Danlos syndrome, ecchymotic type; Ehlers Danlos syndrome, arterial type; Ehlers Danlos syndrome, Sack-Barabas type; Ehlers-Danlos Syndrome Type IV. Identifiers: Orphanet 286, MedGen C0268338, MONDO:0017314, OMIM 130050.

Submission:

Labcorp Genetics (formerly Invitae), Labcorp
Classification: Uncertain significance for Ehlers-Danlos syndrome, type 4. Last evaluated: 2026-01-12. Review status: criteria provided, single submitter. Criteria: Invitae Variant Classification Sherloc (09022015). Collection method: clinical testing. Allele origin: germline.
Comment: This sequence change replaces glutamine, which is neutral and polar, with arginine, which is basic and polar, at codon 154 of the COL3A1 protein (p.Gln154Arg). This variant is not present in population databases (gnomAD no frequency). This variant has not been reported in the literature in individuals affected with COL3A1-related conditions. Invitae Evidence Modeling of protein sequence and biophysical properties (such as structural, functional, and spatial information, amino acid conservation, physicochemical variation, residue mobility, and thermodynamic stability) indicates that this missense variant is not expected to disrupt COL3A1 protein function with a negative predictive value of 95%. In summary, the available evidence is currently insufficient to determine the role of this variant in disease. Therefore, it has been classified as a Variant of Uncertain Significance.

NM_000090.4(COL3A1):c.461A>G (p.Gln154Arg)

Gene: COL3A1 (collagen type III alpha 1 chain; plus strand). Cytogenetic location: 2q32.2.
Variant type: single nucleotide variant.
Coding change: c.461A>G on transcript NM_000090.4 (MANE Select); coding-DNA position 461, A replaced by G.
Protein change: p.Gln154Arg; replaces glutamine 154 with arginine.
Molecular consequence: missense variant.
Genome position (GRCh38, 1-based): chr2:188,987,072, A>G. VCF-style: chr2-188987072-A-G. GRCh37 (hg19) VCF-style: chr2-189851798-A-G.
Other names: short protein forms Q154R.
Identifiers: ClinVar variation 4800315 (VCV004800315.1).